The following is an entry in ClinVar:

NM_012233.3(RAB3GAP1):c.1989A>G (p.Thr663=)

Gene: RAB3GAP1 (RAB3 GTPase activating protein catalytic subunit 1; plus strand). Cytogenetic location: 2q21.3.
Variant type: single nucleotide variant.
Coding change: c.1989A>G on transcript NM_012233.3 (MANE Select); coding-DNA position 1989, A replaced by G.
Protein change: p.Thr663=; no amino-acid change (threonine 663 retained).
Molecular consequence: synonymous variant.
Genome position (GRCh38, 1-based): chr2:135,150,434, A>G. VCF-style: chr2-135150434-A-G. GRCh37 (hg19) VCF-style: chr2-135908004-A-G.
Other names: c.1989A>G, p.Thr663= (NM_001172435.2).
Identifiers: ClinVar variation 2064273 (VCV002064273.2), dbSNP rs745982884, ClinGen allele CA1884964.

ClinVar aggregate classification (germline): Uncertain significance (1 of 4 stars; one submission).

Allele frequency attached by ClinVar (database versions not stated): gnomAD exomes 0.00001; gnomAD 0.00002; TOPMed 0.00003; ExAC 0.00006.
gnomAD v4.1: 23 of 1,614,122 alleles (0.0014%); highest among the groups gnomAD compares: Admixed American, 0.028%; no homozygotes.

Submission:

Labcorp Genetics (formerly Invitae), Labcorp
Classification: Uncertain significance. Last evaluated: 2023-12-06. Review status: criteria provided, single submitter. Criteria: Invitae Variant Classification Sherloc (09022015). Collection method: clinical testing. Allele origin: germline.
Comment: This sequence change affects codon 663 of the RAB3GAP1 mRNA. It is a 'silent' change, meaning that it does not change the encoded amino acid sequence of the RAB3GAP1 protein. This variant is present in population databases (rs745982884, gnomAD 0.04%). This variant has not been reported in the literature in individuals affected with RAB3GAP1-related conditions. ClinVar contains an entry for this variant (Variation ID: 2064273). Algorithms developed to predict the effect of sequence changes on RNA splicing suggest that this variant may create or strengthen a splice site. In summary, the available evidence is currently insufficient to determine the role of this variant in disease. Therefore, it has been classified as a Variant of Uncertain Significance.